The following is an entry in ClinVar:

ClinVar aggregate classification (germline): Benign/Likely benign. Review status: criteria provided, single submitter (1 of 4 stars). 2 submissions from 1 submitter: Benign (1); Likely benign (1). Last evaluated 2018-01-13.

Conditions:
Idiopathic hypereosinophilic syndrome (HES). Identifiers: Orphanet 3260, MedGen C0206141, MONDO:0011895, OMIM 607685. Disease mechanism: gain of function.
Gastrointestinal stromal tumor. Also called: Gastrointestinal stroma tumor; Gastrointestinal stromal tumor, somatic. Identifiers: Orphanet 44890, MedGen C0238198, MeSH D046152, MONDO:0011719, OMIM 606764, HP:0100723.

Allele frequency attached by ClinVar (database versions not stated): gnomAD exomes 0.00024; gnomAD 0.00085 and 0.00087; TOPMed 0.00099; 1000 Genomes Project 0.00140; 1000 Genomes Project 30x 0.00234.
gnomAD v4.1: 150 of 215,294 alleles (0.07%); highest among the groups gnomAD compares: African/African-American, 0.3%; no homozygotes.

Submissions (2):

Illumina Laboratory Services, Illumina
Classification: Benign for Idiopathic hypereosinophilic syndrome. Last evaluated: 2018-01-13. Review status: criteria provided, single submitter. Criteria: ICSL Variant Classification Criteria 13 December 2019. Collection method: clinical testing. Allele origin: germline.
Comment: This variant was observed in the ICSL laboratory as part of a predisposition screen in an ostensibly healthy population. It had not been previously curated by ICSL or reported in the Human Gene Mutation Database (HGMD: prior to June 1st, 2018), and was therefore a candidate for classification through an automated scoring system. Utilizing variant allele frequency, disease prevalence and penetrance estimates, and inheritance mode, an automated score was calculated to assess if this variant is too frequent to cause the disease. Based on the score and internal cut-off values, a variant classified as benign is not then subjected to further curation. The score for this variant resulted in a classification of benign for this disease.

Illumina Laboratory Services, Illumina
Classification: Likely benign for Gastrointestinal stromal tumor. Last evaluated: 2018-01-13. Review status: criteria provided, single submitter. Criteria: ICSL Variant Classification Criteria 13 December 2019. Collection method: clinical testing. Allele origin: germline.
Comment: This variant was observed in the ICSL laboratory as part of a predisposition screen in an ostensibly healthy population. It had not been previously curated by ICSL or reported in the Human Gene Mutation Database (HGMD: prior to June 1st, 2018), and was therefore a candidate for classification through an automated scoring system. Utilizing variant allele frequency, disease prevalence and penetrance estimates, and inheritance mode, an automated score was calculated to assess if this variant is too frequent to cause the disease. Based on the score and internal cut-off values, a variant classified as likely benign is not then subjected to further curation. The score for this variant resulted in a classification of likely benign for this disease.

NM_006206.6(PDGFRA):c.*2873C>T

Gene: PDGFRA (platelet derived growth factor receptor alpha; plus strand). Cytogenetic location: 4q12.
Variant type: single nucleotide variant.
Coding change: c.*2873C>T on transcript NM_006206.6 (MANE Select); 2873 bases downstream of the stop codon, C replaced by T.
Molecular consequence: 3 prime UTR variant.
Genome position (GRCh38, 1-based): chr4:54,298,145, C>T. VCF-style: chr4-54298145-C-T. GRCh37 (hg19) VCF-style: chr4-55164312-C-T.
Other names: c.*2873C>T (NM_001347828.2, NM_001347829.2, NM_001347830.2).
Identifiers: ClinVar variation 902681 (VCV000902681.4), dbSNP rs147418921, ClinGen allele CA96835448.